The following is an entry in ClinVar:

ClinVar aggregate classification (germline): Uncertain significance (1 of 4 stars; one submission).

Conditions:
Combined immunodeficiency due to LRBA deficiency. Also called: Common variable immunodeficiency 8, with autoimmunity. Identifiers: Orphanet 445018, MedGen C3553512, MONDO:0013863, OMIM 614700.

Allele frequency attached by ClinVar (database versions not stated): gnomAD exomes below 0.00001.
gnomAD v4.1: 1 of 1,591,548 alleles (0.000063%); highest among the groups gnomAD compares: Non-Finnish European, 0.000085%; no homozygotes.

Submission:

Labcorp Genetics (formerly Invitae), Labcorp
Classification: Uncertain significance for Combined immunodeficiency due to LRBA deficiency. Last evaluated: 2021-12-19. Review status: criteria provided, single submitter. Criteria: Invitae Variant Classification Sherloc (09022015). Collection method: clinical testing. Allele origin: germline.
Comment: This sequence change replaces lysine, which is basic and polar, with asparagine, which is neutral and polar, at codon 456 of the LRBA protein (p.Lys456Asn). This variant is not present in population databases (gnomAD no frequency). In summary, the available evidence is currently insufficient to determine the role of this variant in disease. Therefore, it has been classified as a Variant of Uncertain Significance. Algorithms developed to predict the effect of missense changes on protein structure and function are either unavailable or do not agree on the potential impact of this missense change (SIFT: "Tolerated"; PolyPhen-2: "Probably Damaging"; Align-GVGD: "Class C0"). This variant has not been reported in the literature in individuals affected with LRBA-related conditions.

NM_001364905.1(LRBA):c.1368G>T (p.Lys456Asn)

Gene: LRBA (LPS responsive beige-like anchor protein; minus strand). Cytogenetic location: 4q31.3.
Variant type: single nucleotide variant.
Coding change: c.1368G>T on transcript NM_001364905.1 (MANE Select); coding-DNA position 1368, G replaced by T.
Protein change: p.Lys456Asn; replaces lysine 456 with asparagine.
Molecular consequence: missense variant.
Genome position (GRCh38, 1-based): chr4:150,908,459, C>A on the plus strand (G>T on the coding strand, the complement: LRBA is on the minus strand). VCF-style: chr4-150908459-C-A. GRCh37 (hg19) VCF-style: chr4-151829611-C-A.
Other names: c.1368G>T, p.Lys456Asn (NM_001367550.1, NM_006726.5, NM_001199282.3); short protein forms K456N.
Identifiers: ClinVar variation 2047674 (VCV002047674.4), dbSNP rs1731585862, ClinGen allele CA358433410.